The following is an entry in ClinVar:

ClinVar aggregate classification (germline): Uncertain significance. Review status: criteria provided, multiple submitters, no conflicts (2 of 4 stars). 2 submissions from 2 submitters: Uncertain significance (2). Last evaluated 2024-08-06.

Conditions:
Catecholaminergic polymorphic ventricular tachycardia 1. Also called: VENTRICULAR TACHYCARDIA, STRESS-INDUCED POLYMORPHIC 1; VENTRICULAR TACHYCARDIA, CATECHOLAMINERGIC POLYMORPHIC, 1, WITH OR WITHOUT ATRIAL DYSFUNCTION AND/OR DILATED CARDIOMYOPATHY; RYR2-Related Catecholaminergic Polymorphic Ventricular Tachycardia. Identifiers: Orphanet 3286, MedGen C1631597, MONDO:0011484, OMIM 604772.
Cardiomyopathy (CMYO). Also called: Cardiomyopathies. Identifiers: Orphanet 167848, MedGen C0878544, MONDO:0004994, HP:0001638. Inheritance: Various modes of inheritance.

Submissions (2):

Labcorp Genetics (formerly Invitae), Labcorp
Classification: Uncertain significance for Catecholaminergic polymorphic ventricular tachycardia 1. Last evaluated: 2024-08-06. Review status: criteria provided, single submitter. Criteria: Invitae Variant Classification Sherloc (09022015). Collection method: clinical testing. Allele origin: germline.
Comment: This sequence change replaces isoleucine, which is neutral and non-polar, with threonine, which is neutral and polar, at codon 2187 of the RYR2 protein (p.Ile2187Thr). This variant is not present in population databases (gnomAD no frequency). This variant has not been reported in the literature in individuals affected with RYR2-related conditions. Advanced modeling of protein sequence and biophysical properties (such as structural, functional, and spatial information, amino acid conservation, physicochemical variation, residue mobility, and thermodynamic stability) has been performed at Invitae for this missense variant, however the output from this modeling did not meet the statistical confidence thresholds required to predict the impact of this variant on RYR2 protein function. In summary, the available evidence is currently insufficient to determine the role of this variant in disease. Therefore, it has been classified as a Variant of Uncertain Significance.

Color Diagnostics, LLC DBA Color Health
Classification: Uncertain significance for Cardiomyopathy. Last evaluated: 2024-07-26. Review status: criteria provided, single submitter. Criteria: ACMG Guidelines, 2015. Collection method: clinical testing. Allele origin: germline.
Comment: This missense variant replaces isoleucine with threonine at codon 2187 of the RYR2 protein. Computational prediction suggests that this variant may have deleterious impact on protein structure and function (internally defined REVEL score threshold >= 0.7, PMID: 27666373). To our knowledge, functional studies have not been reported for this variant. This variant has not been reported in individuals affected with RYR2-related disorders in the literature. This variant has not been identified in the general population by the Genome Aggregation Database (gnomAD). The available evidence is insufficient to determine the role of this variant in disease conclusively. Therefore, this variant is classified as a Variant of Uncertain Significance.

NM_001035.3(RYR2):c.6560T>C (p.Ile2187Thr)

Gene: RYR2 (ryanodine receptor 2; plus strand). Cytogenetic location: 1q43.
Variant type: single nucleotide variant.
Coding change: c.6560T>C on transcript NM_001035.3 (MANE Select); coding-DNA position 6560, T replaced by C.
Protein change: p.Ile2187Thr; replaces isoleucine 2187 with threonine.
Molecular consequence: missense variant.
Genome position (GRCh38, 1-based): chr1:237,633,582, T>C. VCF-style: chr1-237633582-T-C. GRCh37 (hg19) VCF-style: chr1-237796882-T-C.
Other names: short protein forms I2187T.
Identifiers: ClinVar variation 3709035 (VCV003709035.3).